The following is an entry in ClinVar:

NM_020738.4(KIDINS220):c.1209A>G (p.Ala403=)

Gene: KIDINS220 (kinase D interacting substrate 220; minus strand). Cytogenetic location: 2p25.1.
Variant type: single nucleotide variant.
Coding change: c.1209A>G on transcript NM_020738.4 (MANE Select); coding-DNA position 1209, A replaced by G.
Protein change: p.Ala403=; no amino-acid change (alanine 403 retained).
Molecular consequence: synonymous variant. On other transcripts: non-coding transcript variant (2).
Genome position (GRCh38, 1-based): chr2:8,793,877, T>C on the plus strand (A>G on the coding strand, the complement: KIDINS220 is on the minus strand). VCF-style: chr2-8793877-T-C. GRCh37 (hg19) VCF-style: chr2-8934007-T-C.
Other names: c.1212A>G, p.Ala404= (NM_001348729.2, NM_001348731.2, NM_001348734.2 and 3 more transcripts); c.1209A>G, p.Ala403= (NM_001348732.2, NM_001348735.2, NM_001348738.2 and 3 more transcripts); c.1083A>G, p.Ala361= (NM_001348736.2).
Identifiers: ClinVar variation 3348803 (VCV003348803.1).
Genomic context (GRCh38, chr2:8,793,877, plus strand): 5'-AAATATTTGAGTTAAAATACTCTTCTGATGGCTACAGTCAATATTATAAGGAGTCTCGCC[T>C]GCTTTGTTGGGCCTATAAAGTAATCGCCCATCTTTGGGATTTCTTAAAAGCAGTTCTGCC-3'
Protein context (NP_065789.1, residues 393-413): DGRLLYRPNK[Ala403=]GETPYNIDCS

ClinVar aggregate classification (germline): Likely benign (0 of 4 stars; one submission).

Conditions:
KIDINS220-related disorder. Also called: KIDINS220-related condition.

gnomAD v4.1: 1 of 1,613,948 alleles (0.000062%); highest among the groups gnomAD compares: Non-Finnish European, 0.000085%; no homozygotes.

Submission:

PreventionGenetics, part of Exact Sciences
Classification: Likely benign for KIDINS220-related condition. Last evaluated: 2023-09-12. Review status: no assertion criteria provided. Collection method: clinical testing. Allele origin: germline.
Comment: This variant is classified as likely benign based on ACMG/AMP sequence variant interpretation guidelines (Richards et al. 2015 PMID: 25741868, with internal and published modifications).